The following is an entry in ClinVar:

NM_005633.4(SOS1):c.3610A>G (p.Ile1204Val)

Gene: SOS1 (SOS Ras/Rac guanine nucleotide exchange factor 1; minus strand). Cytogenetic location: 2p22.1.
Variant type: single nucleotide variant.
Coding change: c.3610A>G on transcript NM_005633.4 (MANE Select); coding-DNA position 3610, A replaced by G.
Protein change: p.Ile1204Val; replaces isoleucine 1204 with valine.
Molecular consequence: missense variant.
Genome position (GRCh38, 1-based): chr2:38,986,216, T>C on the plus strand (A>G on the coding strand, the complement: SOS1 is on the minus strand). VCF-style: chr2-38986216-T-C. GRCh37 (hg19) VCF-style: chr2-39213357-T-C.
Other names: c.3589A>G, p.Ile1197Val (NM_001382394.1); c.3565A>G, p.Ile1189Val (NM_001382395.1); short protein forms I1189V, I1197V, I1204V.
Identifiers: ClinVar variation 1334289 (VCV001334289.12), dbSNP rs374497013, ClinGen allele CA1624138.

ClinVar aggregate classification (germline): Conflicting classifications of pathogenicity. Review status: criteria provided, conflicting classifications (1 of 4 stars). 6 submissions from 5 submitters: Uncertain significance (4); Benign (1); Likely benign (1). Last evaluated 2026-01-19.

Conditions:
Cardiovascular phenotype. Identifiers: MedGen CN230736.
Noonan syndrome and Noonan-related syndrome. Identifiers: Orphanet 98733, MedGen C5681679, MONDO:0020297.
RASopathy. Also called: Noonan spectrum disorder; rasopathies. Identifiers: Orphanet 536391, MedGen C5555857, MONDO:0021060.
Noonan syndrome 4 (NS4). Also called: NOONAN SYNDROME WITH PIGMENTED VILLONODULAR SYNOVITIS; SOS1-Related Noonan Syndrome. Identifiers: Orphanet 648, MedGen C1853120, MONDO:0012547, OMIM 610733.
Fibromatosis, gingival, 1 (GINGF1). Identifiers: Orphanet 2024, MedGen C4551558, MONDO:0007609, OMIM 135300.

Allele frequency attached by ClinVar (database versions not stated): gnomAD 0.00001; gnomAD exomes 0.00001; ExAC 0.00002; TOPMed 0.00003; ESP Exome Variant Server 0.00008.
gnomAD v4.1: 4 of 1,613,756 alleles (0.00025%); highest among the groups gnomAD compares: South Asian, 0.0022%; 1 homozygote.

Submissions (6):

Labcorp Genetics (formerly Invitae), Labcorp
Classification: Benign for RASopathy. Last evaluated: 2026-01-19. Review status: criteria provided, single submitter. Criteria: Invitae Variant Classification Sherloc (09022015). Collection method: clinical testing. Allele origin: germline.

ARUP Laboratories, Molecular Genetics and Genomics, ARUP Laboratories
Classification: Uncertain significance. Last evaluated: 2025-05-14. Review status: criteria provided, single submitter. Criteria: ARUP Molecular Germline Variant Investigation Process 2024. Collection method: clinical testing. Allele origin: germline.
Comment: The SOS1 c.3610A>G; p.Ile1204Val variant (rs374497013), to our knowledge, is not reported in the medical literature but is reported in ClinVar (Variation ID: 1334289). This variant is found in the African/African-American population with an allele frequency of 0.012 % (2/16,254 alleles) in the Genome Aggregation Database (v2.1.1). Computational analyses predict that this variant is neutral (REVEL: 0.148). Due to limited information, the clinical significance of this variant is uncertain at this time.

Ambry Genetics
Classification: Likely benign for Cardiovascular phenotype. Last evaluated: 2023-04-17. Review status: criteria provided, single submitter. Criteria: Ambry Variant Classification Scheme 2023. Collection method: clinical testing. Allele origin: germline.

Genome Diagnostics Laboratory, The Hospital for Sick Children
Classification: Uncertain significance for Noonan syndrome and Noonan-related syndrome. Last evaluated: 2018-10-01. Review status: criteria provided, single submitter. Criteria: ACMG Guidelines, 2015. Collection method: clinical testing. Allele origin: germline.

Genome-Nilou Lab
Classification: Uncertain significance for Noonan syndrome 4. Review status: criteria provided, single submitter. Criteria: ACMG Guidelines, 2015. Collection method: clinical testing. Allele origin: germline.

Genome-Nilou Lab
Classification: Uncertain significance for Fibromatosis, gingival, 1. Review status: criteria provided, single submitter. Criteria: ACMG Guidelines, 2015. Collection method: clinical testing. Allele origin: germline.